The following is an entry in ClinVar:

ClinVar aggregate classification (germline): Pathogenic (1 of 4 stars; one submission).

Submission:

Labcorp Genetics (formerly Invitae), Labcorp
Classification: Pathogenic. Last evaluated: 2024-11-28. Review status: criteria provided, single submitter. Criteria: Invitae Variant Classification Sherloc (09022015). Collection method: clinical testing. Allele origin: germline.
Comment: This sequence change creates a premature translational stop signal (p.Tyr222*) in the MARVELD2 gene. It is expected to result in an absent or disrupted protein product. Loss-of-function variants in MARVELD2 are known to be pathogenic (PMID: 17186462). This variant is not present in population databases (gnomAD no frequency). This variant has not been reported in the literature in individuals affected with MARVELD2-related conditions. For these reasons, this variant has been classified as Pathogenic.

Literature cited by the submitters: PubMed 17186462.

NM_001038603.3(MARVELD2):c.666C>A (p.Tyr222Ter)

Gene: MARVELD2 (MARVEL domain containing 2; plus strand). Cytogenetic location: 5q13.2.
Variant type: single nucleotide variant.
Coding change: c.666C>A on transcript NM_001038603.3 (MANE Select); coding-DNA position 666, C replaced by A.
Protein change: p.Tyr222Ter; replaces tyrosine 222 with a stop codon.
Molecular consequence: nonsense.
Genome position (GRCh38, 1-based): chr5:69,420,051, C>A. VCF-style: chr5-69420051-C-A. GRCh37 (hg19) VCF-style: chr5-68715878-C-A.
Other names: c.666C>A, p.Tyr222Ter (NM_001244734.2); short protein forms Y222*.
Identifiers: ClinVar variation 3683089 (VCV003683089.2).